The following is an entry in ClinVar:

NM_001042492.3(NF1):c.889-2A>G

Gene: NF1 (neurofibromin 1; plus strand). Cytogenetic location: 17q11.2.
Variant type: single nucleotide variant.
Coding change: c.889-2A>G on transcript NM_001042492.3 (MANE Select); the canonical splice acceptor site of the intron before coding-DNA position 889, A replaced by G.
Molecular consequence: splice acceptor variant.
Genome position (GRCh38, 1-based): chr17:31,200,420, A>G. VCF-style: chr17-31200420-A-G. GRCh37 (hg19) VCF-style: chr17-29527438-A-G.
Other names: c.889-2A>G (NM_001042492.2, NM_000267.4, NM_001128147.3).
Identifiers: ClinVar variation 237610 (VCV000237610.32), dbSNP rs878853922, ClinGen allele CA10583465.
Genomic context (GRCh38, chr17:31,200,420, plus strand): 5'-AGCTACATCTGGAATAGAAGAAACTTCATATATTATCTTATCGCTATATTTGAATTCTGT[A>G]GAAGTTATTTCTGGACAGTCTACGAAAAGCTCTTGCTGGCCATGGAGGAAGTAGGCAGCT-3'

ClinVar aggregate classification (germline): Pathogenic. Review status: criteria provided, multiple submitters, no conflicts (2 of 4 stars). 10 submissions from 10 submitters: Pathogenic (9). 1 of the submissions does not count toward it. Last evaluated 2025-12-10.

Conditions:
NF1-related disorder. Also called: NF1-related condition. Identifiers: MedGen CN379171.
Cardiovascular phenotype. Identifiers: MedGen CN230736.
Hereditary cancer-predisposing syndrome. Also called: Tumor predisposition; Hereditary neoplastic syndrome; Hereditary Cancer Syndrome; Neoplastic Syndromes, Hereditary. Identifiers: Orphanet 140162, MedGen C0027672, MeSH D009386, MONDO:0015356.
Neurofibromatosis, familial spinal (FSNF). Identifiers: Orphanet 636, MedGen C1834235, MONDO:0008078, OMIM 162210. Disease mechanism: loss of function.
Neurofibromatosis, type 1 (NF1). Also called: VON RECKLINGHAUSEN DISEASE; Peripheral type neurofibromatosis; NEUROFIBROMATOSIS, TYPE I, SOMATIC; Neurofibromatosis, type I. Identifiers: Orphanet 636, MedGen C0027831, MONDO:0018975, OMIM 162200. Disease mechanism: loss of function.
Neurofibromatosis-Noonan syndrome (NFNS). Also called: NEUROFIBROMATOSIS WITH NOONAN PHENOTYPE. Identifiers: Orphanet 638, MedGen C2931482, MONDO:0011035, OMIM 601321. Disease mechanism: loss of function.
Café-au-lait macules with pulmonary stenosis (WTSN). Also called: PULMONIC STENOSIS WITH CAFE-AU-LAIT SPOTS. Identifiers: MedGen C0553586, MONDO:0008672, OMIM 193520.
Juvenile myelomonocytic leukemia (JMML). Also called: LEUKEMIA, JUVENILE MYELOMONOCYTIC, SOMATIC. Identifiers: Orphanet 86834, MedGen C0349639, MONDO:0011908, OMIM 607785, HP:0012209.

Submissions (10):

Ambry Genetics
Classification: Pathogenic for Cardiovascular phenotype; Hereditary cancer-predisposing syndrome. Last evaluated: 2025-12-10. Review status: criteria provided, single submitter. Criteria: Ambry Variant Classification Scheme 2023. Collection method: clinical testing. Allele origin: germline.
Comment: The c.889-2A>G intronic pathogenic mutation results from an A to G substitution two nucleotides upstream from coding exon 9 in the NF1 gene. This mutation has been identified in multiple individuals and families with neurofibromatosis type 1 (NF1), and has been shown via RT-PCR studies to cause aberrant splicing leading to the skipping of exon 7 (coding exon 9) (Klose A et al. Am. J. Med. Genet., 1999 Mar;83:6-12; Pros E et al. Hum. Mutat., 2008 Sep;29:E173-93; Messiaen L et al. Hum. Mutat., 2011 Feb;32:213-9; Xu W et al. Int. J. Mol. Med., 2014 Jul;34:53-60). In addition to the clinical data presented in the literature, alterations that disrupt the canonical splice site are expected to cause aberrant splicing, resulting in an abnormal protein or a transcript that is subject to nonsense-mediated mRNA decay. RNA studies have demonstrated that this alteration results in abnormal splicing in the set of samples tested (Ambry internal data). As such, this alteration is classified as a disease-causing mutation.

Labcorp Genetics (formerly Invitae), Labcorp
Classification: Pathogenic for Neurofibromatosis, type 1. Last evaluated: 2025-05-23. Review status: criteria provided, single submitter. Criteria: Invitae Variant Classification Sherloc (09022015). Collection method: clinical testing. Allele origin: germline.
Comment: This sequence change affects an acceptor splice site in intron 8 of the NF1 gene. RNA analysis indicates that disruption of this splice site induces altered splicing and likely results in a shortened protein product. This variant is not present in population databases (gnomAD no frequency). Disruption of this splice site has been observed in individual(s) with neurofibromatosis type 1 (PMID: 10076878, 30308447, 31730495). In at least one individual the variant was observed to be de novo. It has also been observed to segregate with disease in related individuals. Invitae Evidence Modeling of clinical and family history, age, sex, and reported ancestry of multiple individuals with this NF1 variant has been performed. This variant is expected to be pathogenic with a positive predictive value of at least 99%. This is a validated machine learning model that incorporates the clinical features of 1,785,918 individuals referred to our laboratory for NF1 testing. ClinVar contains an entry for this variant (Variation ID: 237610). Studies have shown that disruption of this splice site results in skipping of exon 9, but is expected to preserve the integrity of the reading-frame (PMID: 10076878, 18546366). For these reasons, this variant has been classified as Pathogenic.

3billion
Classification: Pathogenic for Neurofibromatosis, type 1. Last evaluated: 2025-05-16. Review status: criteria provided, single submitter. Criteria: ACMG Guidelines, 2015. Collection method: clinical testing. Allele origin: germline. Affected: yes.
Comment: The variant is not observed in the gnomAD v4.1.0 dataset. Predicted Consequence/Location: Canonical splice site: predicted to alter splicing and result in a loss or disruption of normal protein function. Multiple pathogenic loss-of-function variants are reported downstream of the variant. Functional studies provide moderate evidence of the variant having a damaging effect on the gene or gene product (PMID: 10076878). The variant has been reported at least twice as pathogenic with clinical assertions and evidence for the classification (ClinVar ID: VCV000237610 /PMID: 10076878). Therefore, this variant is classified as Pathogenic according to the recommendation of ACMG/AMP guideline.

NHS Central & South Genomic Laboratory Hub
Classification: Pathogenic for Neurofibromatosis type 1. Last evaluated: 2024-11-19. Review status: criteria provided, single submitter. Criteria: ACMG Guidelines, 2015. Collection method: clinical testing. Allele origin: germline. Affected: yes.

GeneDx
Classification: Pathogenic. Last evaluated: 2024-02-12. Review status: criteria provided, single submitter. Criteria: GeneDx Variant Classification Process June 2021. Collection method: clinical testing. Allele origin: germline.
Comment: Canonical splice site variant demonstrated to result in an in-frame loss of the adjacent exon in a gene for which loss of function is a known mechanism of disease (PMID: 10076878, 18546366, 24789688); Deletions involving coding exons of this gene are a known mechanism of disease (HGMD); Not observed at significant frequency in large population cohorts (gnomAD); Also reported as IVS6-2A>G and IVS7-2A>G; This variant is associated with the following publications: (PMID: 25525159, 24789688, 10076878, 30530636, 30308447, 22155606, 10712197, 18546366, 21280148, 26969325, 33877690, 14722917, 31730495)

Baylor Genetics
Classification: Pathogenic for Juvenile myelomonocytic leukemia. Last evaluated: 2022-12-02. Review status: criteria provided, single submitter. Criteria: ACMG Guidelines, 2015. Collection method: clinical testing. Allele origin: unknown.

ARUP Laboratories, Molecular Genetics and Genomics, ARUP Laboratories
Classification: Pathogenic. Last evaluated: 2018-12-04. Review status: criteria provided, single submitter. Criteria: ARUP Molecular Germline Variant Investigation Process. Collection method: clinical testing. Allele origin: germline.
Comment: The NF1 c.889-2A>G variant (rs878853922) is reported in the literature in multiple individuals affected with neurofibromatosis type 1 (Klose 1999, Messiaen 2011, Xu 2014). This variant is reported as pathogenic by multiple laboratories in ClinVar (Variation ID: 237610), and is absent from general population databases (1000 Genomes Project, Exome Variant Server, and Genome Aggregation Database), indicating it is not a common polymorphism. This variant disrupts the canonical splice acceptor site of intron 8, which is likely to disrupt gene function, and in vitro functional analyses demonstrate skipping of exon 7 (Klose 1999, Pros 2008, Xu 2014). Based on available information, the c.889-2A>G variant is considered to be pathogenic. References: Klose A et al. Two independent mutations in a family with neurofibromatosis type 1 (NF1). Am J Med Genet. 1999 Mar 5;83(1):6-12. Messiaen L et al. Mosaic type-1 NF1 microdeletions as a cause of both generalized and segmental neurofibromatosis type-1 (NF1). Hum Mutat. 2011 Feb;32(2):213-9. Pros E et al. Nature and mRNA effect of 282 different NF1 point mutations: focus on splicing alterations. Hum Mutat. 2008 Sep;29(9):E173-93. Xu W et al. Fifty-four novel mutations in the NF1 gene and integrated analyses of the mutations that modulate splicing. Int J Mol Med. 2014 Jul;34(1):53-60.

Athena Diagnostics
Classification: Pathogenic. Last evaluated: 2018-10-09. Review status: criteria provided, single submitter. Criteria: Athena Diagnostics Criteria. Collection method: clinical testing. Allele origin: germline.
Comment: The variant disrupts a canonical splice site, and is therefore predicted to significantly disrupt the protein structure. Found in at least one symptomatic patient, and not found in general population data.

Juno Genomics, Hangzhou Juno Genomics, Inc
Classification: Pathogenic for Neurofibromatosis, type 1; Juvenile myelomonocytic leukemia; Neurofibromatosis, familial spinal; Neurofibromatosis-Noonan syndrome; Café-au-lait macules with pulmonary stenosis. Review status: criteria provided, single submitter. Criteria: ACMG Guidelines, 2015. Collection method: clinical testing. Allele origin: germline. Affected: yes.
Comment: Absent from controls (or at extremely low frequency if recessive) in Genome Aggregation Database, Exome Sequencing Project, 1000 Genomes Project, or Exome Aggregation Consortium.;Null variant in a gene where loss of function (LOF) is a known mechanism of disease.;The prevalence of the variant in affected individuals is significantly increased compared to the prevalence in controls.;Assumed de novo, but without confirmation of paternity and maternity.;Patient's phenotype or family history is highly specific for a disease with a single genetic etiology.;Co-segregation with disease in multiple affected family members in a gene definitively known to cause the disease.

PreventionGenetics, part of Exact Sciences
Classification: Pathogenic for NF1-related condition. Last evaluated: 2024-07-24. Review status: no assertion criteria provided. Collection method: clinical testing. Allele origin: germline. Not counted in ClinVar's aggregate classification.
Comment: The NF1 c.889-2A>G variant is predicted to disrupt the AG splice acceptor site and interfere with normal splicing. This variant has been reported in multiple individuals with neurofibromatosis type 1 (NF1) (Klose et al. 1999. PubMed ID: 10076878; Tsipi et al. 2018. PubMed ID: 30308447; Table S1 – Assunto et al. 2019. PubMed ID: 31730495), including one individual with NF1 and breast cancer (Frayling et al. 2019. PubMed ID: 30530636). In one individual the variant was reported to be de novo (Tsipi et al. 2018. PubMed ID: 30308447). Functional studies demonstrated this variant results in exon skipping (Klose et al. 1999. PubMed ID: 10076878). Variants that disrupt the consensus splice acceptor site in NF1 are expected to be pathogenic and multiple nucleotide substitutions affecting this splice site (c.889-2A>C, c.889-1G>A) have been reported in individuals with NF1 (Pros et al. 2008. PubMed ID: 18546366; Xu et al. 2014. PubMed ID: 24789688). This variant has not been reported in a large population database, indicating this variant is rare. In ClinVar, nearly all labs have interpreted this variant as pathogenic. This variant is interpreted as pathogenic.

Literature cited by the submitters: PubMed 10076878 (cited by 4 submitters); PubMed 18546366 (cited by 3 submitters); PubMed 21280148 (cited by Ambry Genetics and Athena Diagnostics); PubMed 24789688 (cited by Ambry Genetics and Athena Diagnostics); PubMed 25525159 (cited by Ambry Genetics); PubMed 30308447 (cited by Labcorp Genetics (formerly Invitae), Labcorp); PubMed 31730495 (cited by Labcorp Genetics (formerly Invitae), Labcorp); PubMed 22155606 (cited by Athena Diagnostics); PubMed 26969325 (cited by Athena Diagnostics).